The following is an entry in ClinVar:

NM_000320.3(QDPR):c.3GGC[7] (p.Ala7_Gly8insAlaAla)

Genes: QDPR (quinoid dihydropteridine reductase; minus strand), LOC129992304 (ATAC-STARR-seq lymphoblastoid silent region 15310; plus strand). Cytogenetic location: 4p15.32.
Variant type: Microsatellite.
Coding change: c.3GGC[7] on transcript NM_000320.3 (MANE Select); seven copies in a row of the 3-base unit GGC starting at c.3; the reference has five copies in a row; two copies, 6 bases duplicated.
Protein change: p.Ala7_Gly8insAlaAla.
Molecular consequence: inframe insertion, initiator codon variant. On other transcripts: non-coding transcript variant (1).
Genome position (GRCh38, 1-based): chr4:17,512,038-17,512,043, GCCGCC duplicated on the plus strand (GGCGGC on the coding strand, the reverse complement: QDPR is on the minus strand); duplicating any 6 consecutive bases within chr4:17,512,038-17,512,052 gives the same sequence; the position shown is the placement nearest the transcript's 3' end. VCF-style (leftmost placement, unchanged base first): chr4-17512037-A-AGCCGCC. GRCh37 (hg19) VCF-style: chr4-17513660-A-AGCCGCC.
Other names: c.3GGC[7], p.Ala7_Gly8insAlaAla (NM_001306140.2).
Identifiers: ClinVar variation 2061910 (VCV002061910.2), dbSNP rs762480653, ClinGen allele CA2868262.

ClinVar aggregate classification (germline): Uncertain significance (1 of 4 stars; one submission).

Conditions:
Dihydropteridine reductase deficiency (HPABH4C). Also called: BH4-Deficient Hyperphenylalaninemia C; HYPERPHENYLALANINEMIA, TETRAHYDROBIOPTERIN-DEFICIENT, DUE TO DHPR DEFICIENCY; QDPR DEFICIENCY; QUINOID DIHYDROPTERIDINE REDUCTASE DEFICIENCY; Phenylketonuria II; Hyperphenylalaninemia due to dihydropteridine reductase deficiency. Identifiers: Orphanet 226, Orphanet 238583, MedGen C0268465, MONDO:0009862, OMIM 261630.

Submission:

Labcorp Genetics (formerly Invitae), Labcorp
Classification: Uncertain significance for Dihydropteridine reductase deficiency. Last evaluated: 2022-08-19. Review status: criteria provided, single submitter. Criteria: Invitae Variant Classification Sherloc (09022015). Collection method: clinical testing. Allele origin: germline.
Comment: This variant, c.12_17dup, results in the insertion of 2 amino acid(s) of the QDPR protein (p.Ala6_Ala7dup), but otherwise preserves the integrity of the reading frame. This variant is present in population databases (rs762480653, gnomAD 0.03%). This variant has not been reported in the literature in individuals affected with QDPR-related conditions. Experimental studies and prediction algorithms are not available or were not evaluated, and the functional significance of this variant is currently unknown. In summary, the available evidence is currently insufficient to determine the role of this variant in disease. Therefore, it has been classified as a Variant of Uncertain Significance.